The following is an entry in ClinVar:

ClinVar aggregate classification (germline): Uncertain significance (1 of 4 stars; one submission).

gnomAD v4.1: 4 of 1,597,020 alleles (0.00025%); highest among the groups gnomAD compares: Non-Finnish European, 0.00034%; no homozygotes.

Submission:

Labcorp Genetics (formerly Invitae), Labcorp
Classification: Uncertain significance. Last evaluated: 2024-10-29. Review status: criteria provided, single submitter. Criteria: Invitae Variant Classification Sherloc (09022015). Collection method: clinical testing. Allele origin: germline.
Comment: This sequence change replaces isoleucine, which is neutral and non-polar, with valine, which is neutral and non-polar, at codon 1258 of the MYO7A protein (p.Ile1258Val). This variant is present in population databases (rs753297673, gnomAD 0.002%). This variant has not been reported in the literature in individuals affected with MYO7A-related conditions. Invitae Evidence Modeling of protein sequence and biophysical properties (such as structural, functional, and spatial information, amino acid conservation, physicochemical variation, residue mobility, and thermodynamic stability) indicates that this missense variant is not expected to disrupt MYO7A protein function with a negative predictive value of 95%. In summary, the available evidence is currently insufficient to determine the role of this variant in disease. Therefore, it has been classified as a Variant of Uncertain Significance.

NM_000260.4(MYO7A):c.3772A>G (p.Ile1258Val)

Gene: MYO7A (myosin VIIA; plus strand). Cytogenetic location: 11q13.5.
Variant type: single nucleotide variant.
Coding change: c.3772A>G on transcript NM_000260.4 (MANE Select); coding-DNA position 3772, A replaced by G.
Protein change: p.Ile1258Val; replaces isoleucine 1258 with valine.
Molecular consequence: missense variant.
Genome position (GRCh38, 1-based): chr11:77,190,718, A>G. VCF-style: chr11-77190718-A-G. GRCh37 (hg19) VCF-style: chr11-76901763-A-G.
Other names: c.3772A>G, p.Ile1258Val (NM_001127180.2); c.3739A>G, p.Ile1247Val (NM_001369365.1); short protein forms I1247V, I1258V.
Identifiers: ClinVar variation 3712879 (VCV003712879.2).